The following is an entry in ClinVar:

ClinVar aggregate classification (germline): Uncertain significance (1 of 4 stars; one submission).

Conditions:
Ehlers-Danlos syndrome, type 4 (EDSVASC). Also called: Ehlers-Danlos syndrome vascular type; Ehlers Danlos syndrome, ecchymotic type; Ehlers Danlos syndrome, arterial type; Ehlers Danlos syndrome, Sack-Barabas type; Ehlers-Danlos Syndrome Type IV. Identifiers: Orphanet 286, MedGen C0268338, MONDO:0017314, OMIM 130050.

Submission:

Labcorp Genetics (formerly Invitae), Labcorp
Classification: Uncertain significance for Ehlers-Danlos syndrome, type 4. Last evaluated: 2024-02-23. Review status: criteria provided, single submitter. Criteria: Invitae Variant Classification Sherloc (09022015). Collection method: clinical testing. Allele origin: germline.
Comment: This sequence change replaces proline, which is neutral and non-polar, with histidine, which is basic and polar, at codon 1187 of the COL3A1 protein (p.Pro1187His). This variant is not present in population databases (gnomAD no frequency). This variant has not been reported in the literature in individuals affected with COL3A1-related conditions. ClinVar contains an entry for this variant (Variation ID: 1714831). Advanced modeling of protein sequence and biophysical properties (such as structural, functional, and spatial information, amino acid conservation, physicochemical variation, residue mobility, and thermodynamic stability) performed at Invitae indicates that this missense variant is expected to disrupt COL3A1 protein function with a positive predictive value of 80%. In summary, the available evidence is currently insufficient to determine the role of this variant in disease. Therefore, it has been classified as a Variant of Uncertain Significance.

NM_000090.4(COL3A1):c.3560C>A (p.Pro1187His)

Gene: COL3A1 (collagen type III alpha 1 chain; plus strand). Cytogenetic location: 2q32.2.
Variant type: single nucleotide variant.
Coding change: c.3560C>A on transcript NM_000090.4 (MANE Select); coding-DNA position 3560, C replaced by A.
Protein change: p.Pro1187His; replaces proline 1187 with histidine.
Molecular consequence: missense variant.
Genome position (GRCh38, 1-based): chr2:189,008,958, C>A. VCF-style: chr2-189008958-C-A. GRCh37 (hg19) VCF-style: chr2-189873684-C-A.
Other names: short protein forms P1187H.
Identifiers: ClinVar variation 1714831 (VCV001714831.6), dbSNP rs2469165880, ClinGen allele CA349846638.
Genomic context (GRCh38, chr2:189,008,958, plus strand): 5'-AATGATCCATGTTTTACTCATTCTAGGGCTCCCCAGGCCACCCAGGGCAACCAGGCCCTC[C>A]TGGACCTCCTGGTGCCCCTGGTCCTTGCTGTGGTGGTGTTGGAGCCGCTGCCATTGCTGG-3'
Protein context (NP_000081.2, residues 1177-1197): SPGHPGQPGP[Pro1187His]GPPGAPGPCC